The following is an entry in ClinVar:

NM_001165963.4(SCN1A):c.4697G>A (p.Ser1566Asn)

Genes: SCN1A (sodium voltage-gated channel alpha subunit 1; minus strand), LOC102724058 (uncharacterized LOC102724058; plus strand). Cytogenetic location: 2q24.3.
Variant type: single nucleotide variant.
Coding change: c.4697G>A on transcript NM_001165963.4 (MANE Select); coding-DNA position 4697, G replaced by A.
Protein change: p.Ser1566Asn; replaces serine 1566 with asparagine.
Molecular consequence: missense variant. On other transcripts: non-coding transcript variant (1).
Genome position (GRCh38, 1-based): chr2:165,994,301, C>T on the plus strand (G>A on the coding strand, the complement: SCN1A is on the minus strand). VCF-style: chr2-165994301-C-T. GRCh37 (hg19) VCF-style: chr2-166850811-C-T.
Other names: c.4613G>A, p.Ser1538Asn (NM_001165964.3, NM_001353957.2, NM_001353958.2); c.4697G>A, p.Ser1566Asn (NM_001202435.3, NM_001353948.2); c.4664G>A, p.Ser1555Asn (NM_001353949.2, NM_001353950.2, NM_001353951.2 and 2 more transcripts); c.4661G>A, p.Ser1554Asn (NM_001353954.2, NM_001353955.2); c.4610G>A, p.Ser1537Asn (NM_001353960.2); c.2255G>A, p.Ser752Asn (NM_001353961.2); short protein forms S1555N, S1566N, S1538N, S1554N, S1537N, S752N.
Identifiers: ClinVar variation 572354 (VCV000572354.29), dbSNP rs200263247, ClinGen allele CA1942749.

ClinVar aggregate classification (germline): Uncertain significance. Review status: criteria provided, multiple submitters, no conflicts (2 of 4 stars). 4 submissions from 4 submitters: Uncertain significance (4). Last evaluated 2026-02-23.

Conditions:
Early-infantile DEE. Also called: Ohtahara syndrome; Early infantile epileptic encephalopathy; Early infantile epileptic encephalopathy with suppression bursts. Identifiers: Orphanet 1934, MedGen C0393706, MONDO:0800491.
Inborn genetic diseases. Identifiers: MedGen C0950123, MeSH D030342.

Allele frequency attached by ClinVar (database versions not stated): ExAC 0.00001; gnomAD 0.00001 and 0.00003; gnomAD exomes 0.00001; 1000 Genomes Project 0.00020; 1000 Genomes Project 30x 0.00031.
gnomAD v4.1: 4 of 1,613,120 alleles (0.00025%); highest among the groups gnomAD compares: Admixed American, 0.0067%; no homozygotes.

Submissions (4):

GeneDx
Classification: Uncertain significance. Last evaluated: 2026-02-23. Review status: criteria provided, single submitter. Criteria: GeneDx Variant Classification Process June 2021. Collection method: clinical testing. Allele origin: germline.
Comment: In silico analysis suggests that this missense variant does not alter protein structure/function; Has not been previously published as pathogenic or benign to our knowledge; This substitution is predicted to be within the extracellular loop between the S1 and S2 transmembrane segments of the fourth homologous domain

CeGaT Center for Human Genetics Tuebingen
Classification: Uncertain significance. Last evaluated: 2025-02-01. Review status: criteria provided, single submitter. Criteria: CeGaT Center For Human Genetics Tuebingen Variant Classification Criteria Version 2. Collection method: clinical testing. Allele origin: germline. Affected: yes. Observed: 1 variant allele.

Labcorp Genetics (formerly Invitae), Labcorp
Classification: Uncertain significance for Early-infantile DEE. Last evaluated: 2025-01-20. Review status: criteria provided, single submitter. Criteria: Invitae Variant Classification Sherloc (09022015). Collection method: clinical testing. Allele origin: germline.
Comment: This sequence change replaces serine, which is neutral and polar, with asparagine, which is neutral and polar, at codon 1566 of the SCN1A protein (p.Ser1566Asn). This variant is present in population databases (rs200263247, gnomAD 0.009%). This variant has not been reported in the literature in individuals affected with SCN1A-related conditions. ClinVar contains an entry for this variant (Variation ID: 572354). Invitae Evidence Modeling of protein sequence and biophysical properties (such as structural, functional, and spatial information, amino acid conservation, physicochemical variation, residue mobility, and thermodynamic stability) has been performed for this missense variant. However, the output from this modeling did not meet the statistical confidence thresholds required to predict the impact of this variant on SCN1A protein function. In summary, the available evidence is currently insufficient to determine the role of this variant in disease. Therefore, it has been classified as a Variant of Uncertain Significance.

Ambry Genetics
Classification: Uncertain significance for Inborn genetic diseases. Last evaluated: 2016-08-29. Review status: criteria provided, single submitter. Criteria: Ambry Variant Classification Scheme 2023. Collection method: clinical testing. Allele origin: germline.
Comment: The p.S1566N variant (also known as c.4697G>A), located in coding exon 25 of the SCN1A gene, results from a G to A substitution at nucleotide position 4697. The serine at codon 1566 is replaced by asparagine, an amino acid with highly similar properties. This variant was previously reported in the SNPDatabase as rs200263247. Based on data from the 1000 Genomes Project, the A allele has an overall frequency of approximately 0.05% (1/2098) total alleles studied. The highest observed frequency was 0.86% (1/116) Mexican-American alleles. In the NHLBI Exome Sequencing Project (ESP), this variant was not observed in 6503 samples with coverage at this position. This amino acid position is highly conserved in available vertebrate species. In addition, the in silico prediction for this alteration is inconclusive. Since supporting evidence is limited at this time, the clinical significance of this variant remains unclear.